The following is an entry in ClinVar:

NM_020163.3(SEMA3G):c.1704C>A (p.Asn568Lys)

Gene: SEMA3G (semaphorin 3G; minus strand). Cytogenetic location: 3p21.1.
Variant type: single nucleotide variant.
Coding change: c.1704C>A on transcript NM_020163.3 (MANE Select); coding-DNA position 1704, C replaced by A.
Protein change: p.Asn568Lys; replaces asparagine 568 with lysine.
Molecular consequence: missense variant.
Genome position (GRCh38, 1-based): chr3:52,438,005, G>T on the plus strand (C>A on the coding strand, the complement: SEMA3G is on the minus strand). VCF-style: chr3-52438005-G-T. GRCh37 (hg19) VCF-style: chr3-52472021-G-T.
Other names: c.1704C>A (NM_020163.2); short protein forms N568K.
Identifiers: ClinVar variation 3159744 (VCV003159744.2), dbSNP rs1028201411, ClinGen allele CA74764779.

ClinVar aggregate classification (germline): Uncertain significance. Review status: criteria provided, single submitter (1 of 4 stars). 2 submissions from 2 submitters: Uncertain significance (1). 1 of the submissions does not count toward it. Last evaluated 2024-03-01.

Conditions:
SEMA3G-related disorder. Also called: SEMA3G-related condition.

Allele frequency attached by ClinVar (database versions not stated): TOPMed 0.00002.
gnomAD v4.1: 1 of 1,612,856 alleles (0.000062%); highest among the groups gnomAD compares: Admixed American, 0.0017%; no homozygotes.

Submissions (2):

Ambry Genetics
Classification: Uncertain significance. Last evaluated: 2024-03-01. Review status: criteria provided, single submitter. Criteria: Ambry Variant Classification Scheme 2023. Collection method: clinical testing. Allele origin: germline.

PreventionGenetics, part of Exact Sciences
Classification: Uncertain significance for SEMA3G-related condition. Last evaluated: 2024-08-11. Review status: no assertion criteria provided. Collection method: clinical testing. Allele origin: germline. Not counted in ClinVar's aggregate classification.
Comment: The SEMA3G c.1704C>A variant is predicted to result in the amino acid substitution p.Asn568Lys. To our knowledge, this variant has not been reported in the literature or in a large population database, indicating this variant is rare. At this time, the clinical significance of this variant is uncertain due to the absence of conclusive functional and genetic evidence.